The following is an entry in ClinVar:

ClinVar aggregate classification (germline): Uncertain significance (1 of 4 stars; one submission).

Conditions:
Hereditary cancer-predisposing syndrome. Also called: Neoplastic Syndromes, Hereditary; Tumor predisposition; Hereditary Cancer Syndrome; Hereditary neoplastic syndrome. Identifiers: Orphanet 140162, MedGen C0027672, MeSH D009386, MONDO:0015356.
Cardiovascular phenotype. Identifiers: MedGen CN230736.

Submission:

Ambry Genetics
Classification: Uncertain significance for Cardiovascular phenotype; Hereditary cancer-predisposing syndrome. Last evaluated: 2019-01-04. Review status: criteria provided, single submitter. Criteria: Ambry Variant Classification Scheme 2023. Collection method: clinical testing. Allele origin: germline.
Comment: The c.1641+4A>G intronic variant results from an A to G substitution 4 nucleotides after coding exon 14 in the NF1 gene. This nucleotide position is highly conserved in available vertebrate species. Using the BDGP and ESEfinder splice site prediction tools, this alteration is predicted to weaken the efficiency of the native splice donor site; however, direct evidence is unavailable. Since supporting evidence is limited at this time, the clinical significance of this alteration remains unclear.

NM_001042492.3(NF1):c.1641+4A>G

Gene: NF1 (neurofibromin 1; plus strand). Cytogenetic location: 17q11.2.
Variant type: single nucleotide variant.
Coding change: c.1641+4A>G on transcript NM_001042492.3 (MANE Select); 4 bases into the intron after coding-DNA position 1641, A replaced by G.
Molecular consequence: intron variant.
Genome position (GRCh38, 1-based): chr17:31,219,122, A>G. VCF-style: chr17-31219122-A-G. GRCh37 (hg19) VCF-style: chr17-29546140-A-G.
Other names: c.1641+4A>G (NM_000267.4, NM_001128147.3).
Identifiers: ClinVar variation 819729 (VCV000819729.4), dbSNP rs1597703610, ClinGen allele CA915949711.